The following is an entry in ClinVar:

ClinVar aggregate classification (germline): Uncertain significance (1 of 4 stars; one submission).

Submission:

Centre for Mendelian Genomics, University Medical Centre Ljubljana
Classification: Uncertain significance. Last evaluated: 2019-03-08. Review status: criteria provided, single submitter. Criteria: ACMG Guidelines, 2015. Collection method: clinical testing. Allele origin: unknown. Affected: yes.
Comment: This variant was classified as: Uncertain significance. The available evidence on this variant's pathogenicity is insufficient or conflicting. The following ACMG criteria were applied in classifying this variant: PM2. This variant was detected in homozygous state.

NM_001008537.3(NEXMIF):c.181C>T (p.Pro61Ser)

Gene: NEXMIF (neurite extension and migration factor; minus strand). Cytogenetic location: Xq13.3.
Variant type: single nucleotide variant.
Coding change: c.181C>T on transcript NM_001008537.3 (MANE Select); coding-DNA position 181, C replaced by T.
Protein change: p.Pro61Ser; replaces proline 61 with serine.
Molecular consequence: missense variant.
Genome position (GRCh38, 1-based): chrX:74,744,376, G>A on the plus strand (C>T on the coding strand, the complement: NEXMIF is on the minus strand). VCF-style: chrX-74744376-G-A. GRCh37 (hg19) VCF-style: chrX-73964211-G-A.
Other names: short protein forms P61S.
Identifiers: ClinVar variation 931308 (VCV000931308.3), dbSNP rs1272191574, ClinGen allele CA413674144.